The following is an entry in ClinVar:

ClinVar aggregate classification (germline): Uncertain significance. Review status: criteria provided, multiple submitters, no conflicts (2 of 4 stars). 2 submissions from 2 submitters: Uncertain significance (2). Last evaluated 2024-03-01.

Conditions:
Usher syndrome type 3B. Also called: USHER SYNDROME, TYPE IIIB. Identifiers: MedGen C3281066, MONDO:0013788, OMIM 614504.

Allele frequency attached by ClinVar (database versions not stated): gnomAD exomes below 0.00001; TOPMed below 0.00001.
gnomAD v4.1: 1 of 1,608,576 alleles (0.000062%); highest among the groups gnomAD compares: Non-Finnish European, 0.000085%; no homozygotes.

Submissions (2):

Labcorp Genetics (formerly Invitae), Labcorp
Classification: Uncertain significance for Usher syndrome type 3B. Last evaluated: 2024-03-01. Review status: criteria provided, single submitter. Criteria: Invitae Variant Classification Sherloc (09022015). Collection method: clinical testing. Allele origin: germline.
Comment: This sequence change replaces isoleucine, which is neutral and non-polar, with methionine, which is neutral and non-polar, at codon 204 of the HARS protein (p.Ile204Met). This variant is not present in population databases (gnomAD no frequency). This missense change has been observed in individual(s) with autosomal dominant progressive sensorimotor peripheral neuropathy (PMID: 33144514). ClinVar contains an entry for this variant (Variation ID: 576706). Advanced modeling of protein sequence and biophysical properties (such as structural, functional, and spatial information, amino acid conservation, physicochemical variation, residue mobility, and thermodynamic stability) performed at Invitae indicates that this missense variant is not expected to disrupt HARS protein function with a negative predictive value of 80%. In summary, the available evidence is currently insufficient to determine the role of this variant in disease. Therefore, it has been classified as a Variant of Uncertain Significance.

Ambry Genetics
Classification: Uncertain significance. Last evaluated: 2019-08-30. Review status: criteria provided, single submitter. Criteria: Ambry Variant Classification Scheme 2023. Collection method: clinical testing. Allele origin: germline.
Comment: The p.I204M variant (also known as c.612A>G), located in coding exon 6 of the HARS gene, results from an A to G substitution at nucleotide position 612. The isoleucine at codon 204 is replaced by methionine, an amino acid with highly similar properties. In addition, this alteration is predicted to be tolerated by in silico analysis. Since supporting evidence is limited at this time, the clinical significance of this alteration remains unclear.

Literature cited by the submitters: PubMed 33144514 (cited by Labcorp Genetics (formerly Invitae), Labcorp).

NM_002109.6(HARS1):c.612A>G (p.Ile204Met)

Gene: HARS1 (histidyl-tRNA synthetase 1; minus strand). Cytogenetic location: 5q31.3.
Variant type: single nucleotide variant.
Coding change: c.612A>G on transcript NM_002109.6 (MANE Select); coding-DNA position 612, A replaced by G.
Protein change: p.Ile204Met; replaces isoleucine 204 with methionine.
Molecular consequence: missense variant.
Genome position (GRCh38, 1-based): chr5:140,677,926, T>C on the plus strand (A>G on the coding strand, the complement: HARS1 is on the minus strand). VCF-style: chr5-140677926-T-C. GRCh37 (hg19) VCF-style: chr5-140057511-T-C.
Other names: c.492A>G, p.Ile164Met (NM_001258040.3); c.552A>G, p.Ile184Met (NM_001258041.3); c.432A>G, p.Ile144Met (NM_001258042.3); c.390A>G, p.Ile130Met (NM_001289092.2); c.270A>G, p.Ile90Met (NM_001289093.2); c.525A>G, p.Ile175Met (NM_001289094.2); short protein forms I204M, I175M, I144M, I130M, I164M, I184M, I90M.
Identifiers: ClinVar variation 576706 (VCV000576706.12), dbSNP rs1562008815, ClinGen allele CA361255464.